The following is an entry in ClinVar:

ClinVar aggregate classification (germline): Uncertain significance (1 of 4 stars; one submission).

Submission:

Dasa
Classification: Uncertain significance. Last evaluated: 2026-06-29. Review status: criteria provided, single submitter. Criteria: DASA Assertion Criteria. Collection method: clinical testing. Allele origin: germline.
Comment: NM_015215.4(CAMTA1):c.1414G>T (p.Gly472Cys) is a missense variant that results in the substitution of glycine with cysteine. This variant is rare in population databases. The currently available literature and clinical evidence are not sufficient to establish a definitive association between this variant and the reported condition. Therefore, this variant is classified as a variant of uncertain significance.

NM_015215.4(CAMTA1):c.1414G>T (p.Gly472Cys)

Gene: CAMTA1 (calmodulin binding transcription activator 1; plus strand). Cytogenetic location: 1p36.23.
Variant type: single nucleotide variant.
Coding change: c.1414G>T on transcript NM_015215.4 (MANE Select); coding-DNA position 1414, G replaced by T.
Protein change: p.Gly472Cys; replaces glycine 472 with cysteine.
Molecular consequence: missense variant.
Genome position (GRCh38, 1-based): chr1:7,663,961, G>T. VCF-style: chr1-7663961-G-T. GRCh37 (hg19) VCF-style: chr1-7724021-G-T.
Other names: c.1324G>T, p.Gly442Cys (NM_001349608.2, NM_001349612.2); c.1414G>T, p.Gly472Cys (NM_001349609.2, NM_001349610.2, NM_001410737.1); c.1342G>T, p.Gly448Cys (NM_001410738.1); short protein forms G442C, G448C, G472C.
Identifiers: ClinVar variation 5020287 (VCV005020287.1).